The following is an entry in ClinVar:

ClinVar aggregate classification (germline): Pathogenic (1 of 4 stars; one submission).

Submission:

Labcorp Genetics (formerly Invitae), Labcorp
Classification: Pathogenic. Last evaluated: 2026-01-18. Review status: criteria provided, single submitter. Criteria: Invitae Variant Classification Sherloc (09022015). Collection method: clinical testing. Allele origin: germline.
Comment: This sequence change creates a premature translational stop signal (p.Leu706Phefs*6) in the MSH3 gene. It is expected to result in an absent or disrupted protein product. Loss-of-function variants in MSH3 are known to be pathogenic (PMID: 27476653, 37402566). This variant is not present in population databases (gnomAD no frequency). This variant has not been reported in the literature in individuals affected with MSH3-related conditions. Algorithms developed to predict the effect of sequence changes on RNA splicing suggest that this variant may disrupt the consensus splice site. For these reasons, this variant has been classified as Pathogenic.

Literature cited by the submitters: PubMed 27476653; PubMed 37402566.

NM_002439.5(MSH3):c.2116del (p.Leu706fs)

Gene: MSH3 (mutS homolog 3; plus strand). Cytogenetic location: 5q14.1.
Variant type: Deletion.
Coding change: c.2116del on transcript NM_002439.5 (MANE Select); coding-DNA position 2116, one base deleted (C; older notation c.2116delC).
Protein change: p.Leu706fs; shifts the reading frame from leucine 706.
Molecular consequence: frameshift variant.
Genome position (GRCh38, 1-based): chr5:80,768,866, C deleted; the last of 2 consecutive C bases (chr5:80,768,865-80,768,866); deleting either gives the same sequence. VCF-style (leftmost placement, unchanged base first): chr5-80768864-AC-A. GRCh37 (hg19) VCF-style: chr5-80064683-AC-A.
Other names: short protein forms L706fs.
Identifiers: ClinVar variation 4735595 (VCV004735595.1).
Genomic context (GRCh38, chr5:80,768,864, plus strand): 5'-GAATATGTATTTGCATGTTTTGATTTTTTAGAGTTGGGGATAAAACTGAATTATTTAAAG[AC>A]CTTTCTGACTTCCCTTTAATAAAAAAGAGGAAGGATGAAATTCAAGGTGTTATTGACGAG-3'